The following is an entry in ClinVar:

ClinVar aggregate classification (germline): Conflicting classifications of pathogenicity. Review status: criteria provided, conflicting classifications (1 of 4 stars). 6 submissions from 6 submitters: Uncertain significance (3); Likely benign (1). 2 of the submissions do not count toward it. Last evaluated 2024-05-10.

Conditions:
Autosomal recessive Alport syndrome (ATS2). Also called: COL4A3-Related Nephropathy; Alport syndrome type 2; ALPORT SYNDROME 2, AUTOSOMAL RECESSIVE; COL4A4 Alport Syndrome and Thin Basement Membrane Nephropathy. Identifiers: Orphanet 63, Orphanet 88919, MedGen C4746745, MONDO:0008762, OMIM 203780.
Benign familial hematuria. Also called: thin basement membrane disease. Identifiers: MedGen C0241908, MONDO:0957317.
Alport syndrome. Also called: Hemorrhagic familial nephritis; Hemorrhagic hereditary nephritis; Congenital hereditary hematuria. Identifiers: Orphanet 63, MedGen C1567741, MONDO:0018965.

Allele frequency attached by ClinVar (database versions not stated): gnomAD exomes 0.00004 and 0.00001; gnomAD 0.00006 and 0.00007; TOPMed 0.00007; ExAC 0.00004.
gnomAD v4.1: 29 of 1,614,028 alleles (0.0018%); highest among the groups gnomAD compares: African/African-American, 0.016%; no homozygotes.

Submissions (6):

Labcorp Genetics (formerly Invitae), Labcorp
Classification: Likely benign. Last evaluated: 2024-05-10. Review status: criteria provided, single submitter. Criteria: Invitae Variant Classification Sherloc (09022015). Collection method: clinical testing. Allele origin: germline.

GeneDx
Classification: Uncertain significance. Last evaluated: 2022-05-31. Review status: criteria provided, single submitter. Criteria: GeneDx Variant Classification Process June 2021. Collection method: clinical testing. Allele origin: germline. Affected: yes.
Comment: Reported in a patient with microtia in published literature (Wang et al., 2017); In silico analysis supports that this missense variant does not alter protein structure/function; Occurs in the triple helical domain at the X position in the canonical Gly-X-Y repeat; although this variant may have an effect on normal protein folding and function, missense substitution at the X position is not a common mechanism of disease; This variant is associated with the following publications: (PMID: 28968992)

Fulgent Genetics
Classification: Uncertain significance for Hematuria, benign familial, 1; Autosomal recessive Alport syndrome. Last evaluated: 2022-01-28. Review status: criteria provided, single submitter. Criteria: ACMG Guidelines, 2015. Collection method: clinical testing. Allele origin: unknown.

Laboratory for Molecular Medicine, Mass General Brigham Personalized Medicine
Classification: Uncertain significance. Last evaluated: 2018-03-21. Review status: criteria provided, single submitter. Criteria: LMM Criteria. Collection method: clinical testing. Allele origin: germline. Observed: 1 variant allele.
Comment: The p.Arg377Cys variant in COL4A4 has not been previously reported in individual s with hearing loss or Alport syndrome. This variant is present in 0.03% (6/2392 ) African chromosomes by the Genome Aggregation Database (gnomAD.; dbSNP rs555143841). Although this variant has been seen in t he general population, its frequency is not high enough to rule out a pathogenic role. Computational prediction tools and conservation analyses do not provide s trong support for or against an impact to the protein. In summary, the clinical significance of the p.Arg377Cys variant is uncertain. ACMG/AMP criteria applied : PM2_Supporting.

Natera, Inc.
Classification: Uncertain significance for Alport syndrome. Last evaluated: 2020-09-16. Review status: no assertion criteria provided. Collection method: clinical testing. Allele origin: germline. Not counted in ClinVar's aggregate classification.

Counsyl
Classification: Uncertain significance for Autosomal recessive Alport syndrome. Last evaluated: 2018-04-02. Review status: no assertion criteria provided. Collection method: clinical testing. Allele origin: unknown. Not counted in ClinVar's aggregate classification.

Literature cited by the submitters: PubMed 28968992 (cited by Laboratory for Molecular Medicine, Mass General Brigham Personalized Medicine and Counsyl).

NM_000092.5(COL4A4):c.1129C>T (p.Arg377Cys)

Gene: COL4A4 (collagen type IV alpha 4 chain; minus strand). Cytogenetic location: 2q36.3.
Variant type: single nucleotide variant.
Coding change: c.1129C>T on transcript NM_000092.5 (MANE Select); coding-DNA position 1129, C replaced by T.
Protein change: p.Arg377Cys; replaces arginine 377 with cysteine.
Molecular consequence: missense variant.
Genome position (GRCh38, 1-based): chr2:227,098,769, G>A on the plus strand (C>T on the coding strand, the complement: COL4A4 is on the minus strand). VCF-style: chr2-227098769-G-A. GRCh37 (hg19) VCF-style: chr2-227963485-G-A.
Other names: short protein forms R377C.
Identifiers: ClinVar variation 557603 (VCV000557603.14), dbSNP rs555143841, ClinGen allele CA2145270.